The following is an entry in ClinVar:

ClinVar aggregate classification (germline): Pathogenic. Review status: criteria provided, multiple submitters, no conflicts (2 of 4 stars). 2 submissions from 2 submitters: Pathogenic (2). Last evaluated 2025-10-11.

Conditions:
Hyper-IgM syndrome type 5 (HIGM5). Also called: Hyper-IgM Immunodeficiency Syndrome, Type 5. Identifiers: Orphanet 101092, MedGen C1720958, MONDO:0011971, OMIM 608106.

Submissions (2):

Labcorp Genetics (formerly Invitae), Labcorp
Classification: Pathogenic for Hyper-IgM syndrome type 5. Last evaluated: 2025-10-11. Review status: criteria provided, single submitter. Criteria: Invitae Variant Classification Sherloc (09022015). Collection method: clinical testing. Allele origin: germline.
Comment: This sequence change creates a premature translational stop signal (p.Gln55Argfs*12) in the UNG gene. It is expected to result in an absent or disrupted protein product. Loss-of-function variants in UNG are known to be pathogenic (PMID: 12958596). This variant is present in population databases (rs759483250, gnomAD 0.07%). This variant has not been reported in the literature in individuals affected with UNG-related conditions. ClinVar contains an entry for this variant (Variation ID: 2068429). For these reasons, this variant has been classified as Pathogenic.

Dasa
Classification: Pathogenic. Last evaluated: 2024-09-04. Review status: criteria provided, single submitter. Criteria: DASA Assertion Criteria. Collection method: clinical testing. Allele origin: germline.
Comment: NM_080911.3(UNG):c.162del (p.Gln55Argfs*12) introduces a premature termination codon predicted to result in loss of normal protein function. Loss-of-function is an established mechanism of disease for this gene. The variant is present at low frequency in population datasets. Based on the available data, this variant is classified as pathogenic.

Literature cited by the submitters: PubMed 12958596 (cited by Labcorp Genetics (formerly Invitae), Labcorp).

NM_080911.3(UNG):c.162del (p.Gln55fs)

Gene: UNG (uracil DNA glycosylase; plus strand). Cytogenetic location: 12q24.11.
Variant type: Deletion.
Coding change: c.162del on transcript NM_080911.3 (MANE Select); coding-DNA position 162, one base deleted (G; older notation c.162delG).
Protein change: p.Gln55fs; shifts the reading frame from glutamine 55.
Molecular consequence: frameshift variant.
Genome position (GRCh38, 1-based): chr12:109,098,461, G deleted; the last of 3 consecutive G bases (chr12:109,098,459-109,098,461); deleting any one gives the same sequence. VCF-style (leftmost placement, unchanged base first): chr12-109098458-TG-T. GRCh37 (hg19) VCF-style: chr12-109536263-TG-T.
Other names: c.135del, p.Gln46fs (NM_003362.4); short protein forms Q55fs, Q46fs.
Identifiers: ClinVar variation 2068429 (VCV002068429.4), dbSNP rs759483250, ClinGen allele CA6772508.